The following is an entry in ClinVar:

ClinVar aggregate classification (germline): Likely benign. Review status: criteria provided, multiple submitters, no conflicts (2 of 4 stars). 5 submissions from 5 submitters: Likely benign (5). Last evaluated 2026-01-01.

Conditions:
Catecholaminergic polymorphic ventricular tachycardia (CVPT). Also called: Catecholamine-induced polymorphic ventricular tachycardia. Identifiers: Orphanet 3286, MedGen C5574922, MONDO:0017990.
Catecholaminergic polymorphic ventricular tachycardia 1. Also called: RYR2-Related Catecholaminergic Polymorphic Ventricular Tachycardia; VENTRICULAR TACHYCARDIA, CATECHOLAMINERGIC POLYMORPHIC, 1, WITH OR WITHOUT ATRIAL DYSFUNCTION AND/OR DILATED CARDIOMYOPATHY; VENTRICULAR TACHYCARDIA, STRESS-INDUCED POLYMORPHIC 1. Identifiers: Orphanet 3286, MedGen C1631597, MONDO:0011484, OMIM 604772.
Cardiovascular phenotype. Identifiers: MedGen CN230736.
Cardiomyopathy (CMYO). Also called: Cardiomyopathies. Identifiers: Orphanet 167848, MedGen C0878544, MONDO:0004994, HP:0001638. Inheritance: Various modes of inheritance.

Allele frequency attached by ClinVar (database versions not stated): gnomAD exomes 0.00004 and 0.00005; ExAC 0.00005; gnomAD 0.00005 and 0.00006; TOPMed 0.00007.
gnomAD v4.1: 58 of 1,613,754 alleles (0.0036%); highest among the groups gnomAD compares: Admixed American, 0.027%; no homozygotes.

Submissions (5):

CeGaT Center for Human Genetics Tuebingen
Classification: Likely benign. Last evaluated: 2026-01-01. Review status: criteria provided, single submitter. Criteria: CeGaT Center For Human Genetics Tuebingen Variant Classification Criteria Version 2. Collection method: clinical testing. Allele origin: germline. Affected: yes. Observed: 2 variant alleles.
Comment: RYR2: BP4, BP7

Labcorp Genetics (formerly Invitae), Labcorp
Classification: Likely benign for Catecholaminergic polymorphic ventricular tachycardia 1. Last evaluated: 2025-07-09. Review status: criteria provided, single submitter. Criteria: Invitae Variant Classification Sherloc (09022015). Collection method: clinical testing. Allele origin: germline.

All of Us Research Program, National Institutes of Health
Classification: Likely benign for Catecholaminergic polymorphic ventricular tachycardia. Last evaluated: 2023-07-10. Review status: criteria provided, single submitter. Criteria: ACMG Guidelines, 2015. Collection method: clinical testing. Allele origin: germline. Inheritance: Autosomal dominant inheritance. Observed: 3 variant alleles, 3 heterozygotes.
Comment: This study involves interpretation of variants in research participants for the purpose of population health screening. Participant phenotype was not available at the time of variant classification. Additional details can be found in publication PMID: 35346344, PMCID: PMC8962531

Ambry Genetics
Classification: Likely benign for Cardiovascular phenotype. Last evaluated: 2019-11-15. Review status: criteria provided, single submitter. Criteria: Ambry Variant Classification Scheme 2023. Collection method: clinical testing. Allele origin: germline.

Color Diagnostics, LLC DBA Color Health
Classification: Likely benign for Cardiomyopathy. Last evaluated: 2019-05-20. Review status: criteria provided, single submitter. Criteria: ACMG Guidelines, 2015. Collection method: clinical testing. Allele origin: germline.

NM_001035.3(RYR2):c.3483C>T (p.Val1161=)

Gene: RYR2 (ryanodine receptor 2; plus strand). Cytogenetic location: 1q43.
Variant type: single nucleotide variant.
Coding change: c.3483C>T on transcript NM_001035.3 (MANE Select); coding-DNA position 3483, C replaced by T.
Protein change: p.Val1161=; no amino-acid change (valine 1161 retained).
Molecular consequence: synonymous variant.
Genome position (GRCh38, 1-based): chr1:237,569,204, C>T. VCF-style: chr1-237569204-C-T. GRCh37 (hg19) VCF-style: chr1-237732504-C-T.
Identifiers: ClinVar variation 705944 (VCV000705944.22), dbSNP rs777622110, ClinGen allele CA086395.
Genomic context (GRCh38, chr1:237,569,204, plus strand): 5'-GGCCCAGCGGTGGCATCAGGGCAATGAACACTATGGGCGCTCTTGGCAAGCAGGCGATGT[C>T]GTGGGGTGTATGGTTGACATGAACGAACACACCATGATGTTCACACTGAATGGTGAAATC-3'
Protein context (NP_001026.2, residues 1151-1171): HYGRSWQAGD[Val1161=]VGCMVDMNEH